The following is an entry in ClinVar:

ClinVar aggregate classification (germline): Pathogenic/Likely pathogenic. Review status: criteria provided, multiple submitters, no conflicts (2 of 4 stars). 4 submissions from 4 submitters: Pathogenic (1); Likely pathogenic (3). Last evaluated 2025-12-31.

Conditions:
Galactosylceramide beta-galactosidase deficiency. Also called: Krabbe Disease; Leukodystrophy, Globoid Cell; GALACTOCEREBROSIDASE DEFICIENCY; GALC DEFICIENCY; GLOBOID CELL LEUKOENCEPHALOPATHY. Identifiers: Orphanet 487, MedGen C0023521, MONDO:0009499, OMIM 245200.

Submissions (4):

Natera, Inc.
Classification: Likely pathogenic for Galactosylceramide beta-galactosidase deficiency. Last evaluated: 2025-12-31. Review status: criteria provided, single submitter. Criteria: Natera Variant Classification Schema (03/2026). Collection method: clinical testing. Allele origin: germline.
Comment: The c.349A>C variant in GALC is a missense variant predicted to cause substitution of methionine to leucine at amino acid 117. This variant is rare in the general population with a frequency below the threshold expected for the associated phenotype(s). Another variant at this same site results in an alteration predicted to cause a similar molecular effect has been observed in individual(s) with the associated phenotype. A different variant at the same position has been determined to be Pathogenic or Likely Pathogenic. Computational prediction algorithms indicate this variant is likely to affect gene or protein function. Given the available evidence, this variant is classified as Likely Pathogenic.

Women's Health and Genetics/Laboratory Corporation of America, LabCorp
Classification: Pathogenic for Galactosylceramide beta-galactosidase deficiency. Last evaluated: 2025-09-04. Review status: criteria provided, single submitter. Criteria: LabCorp Variant Classification Summary - May 2015. Collection method: clinical testing. Allele origin: germline.
Comment: Variant summary: GALC c.349A>C (p.Met117Leu) results in a conservative amino acid change in the encoded protein sequence. Algorithms developed to predict the effect of missense changes on protein structure and function are either unavailable or do not agree on the potential impact of this missense change. The variant was absent in 249238 control chromosomes. c.349A>C has been observed in individuals affected with Krabbe Disease (examples: De Gasperi_1996, Marshall_2018). These data indicate that the variant may be associated with disease. A different variant resulting in the same amino acid consequence has been classified as likely pathogenic by our lab (c.349A>T; p.Met117Leu), supporting the pathogenicity of this variant. At least one publication reports experimental evidence evaluating an impact on protein function (De Gasperi_1996). The most pronounced variant effect results in 20% of normal activity (De Gasperi_1996). The following publications have been ascertained in the context of this evaluation (PMID: 8940268, 36113749, 29481565). ClinVar contains an entry for this variant (Variation ID: 1066196). Based on the evidence outlined above, the variant was classified as pathogenic.

Mayo Clinic Laboratories, Mayo Clinic
Classification: Likely pathogenic. Last evaluated: 2022-04-12. Review status: criteria provided, single submitter. Criteria: ACMG Guidelines, 2015. Collection method: clinical testing. Allele origin: germline. Observed: 2 variant alleles.
Comment: PP3, PM2, PM5, PS1

Labcorp Genetics (formerly Invitae), Labcorp
Classification: Likely pathogenic for Galactosylceramide beta-galactosidase deficiency. Last evaluated: 2020-03-25. Review status: criteria provided, single submitter. Criteria: Invitae Variant Classification Sherloc (09022015). Collection method: clinical testing. Allele origin: germline.
Comment: In summary, the currently available evidence indicates that the variant is pathogenic, but additional data are needed to prove that conclusively. Therefore, this variant has been classified as Likely Pathogenic. This variant disrupts the p.Met117 amino acid residue in GALC. Other variant(s) that disrupt this residue have been determined to be pathogenic (PMID: 23430802, 30089515). This suggests that this residue is clinically significant, and that variants that disrupt this residue are likely to be disease-causing. This variant has been reported to affect GALC protein function (PMID: 8940268). This variant has been observed in individual(s) with Krabbe disease (PMID: 8940268). This missense change is also known in the literature as p.Met101Leu. This variant is not present in population databases (ExAC no frequency). This sequence change replaces methionine with leucine at codon 117 of the GALC protein (p.Met117Leu). The methionine residue is highly conserved and there is a small physicochemical difference between methionine and leucine.

Literature cited by the submitters: PubMed 8940268 (cited by 3 submitters); PubMed 36113749 (cited by Women's Health and Genetics/Laboratory Corporation of America, LabCorp); PubMed 29481565 (cited by Women's Health and Genetics/Laboratory Corporation of America, LabCorp); PubMed 9338580 (cited by Mayo Clinic Laboratories, Mayo Clinic); PubMed 23430802 (cited by Labcorp Genetics (formerly Invitae), Labcorp); PubMed 30089515 (cited by Labcorp Genetics (formerly Invitae), Labcorp).

NM_000153.4(GALC):c.349A>C (p.Met117Leu)

Gene: GALC (galactosylceramidase; minus strand). Cytogenetic location: 14q31.3.
Variant type: single nucleotide variant.
Coding change: c.349A>C on transcript NM_000153.4 (MANE Select); coding-DNA position 349, A replaced by C.
Protein change: p.Met117Leu; replaces methionine 117 with leucine.
Molecular consequence: missense variant.
Genome position (GRCh38, 1-based): chr14:87,986,582, T>G on the plus strand (A>C on the coding strand, the complement: GALC is on the minus strand). VCF-style: chr14-87986582-T-G. GRCh37 (hg19) VCF-style: chr14-88452926-T-G.
Other names: p.Met117Leu; c.280A>C, p.Met94Leu (NM_001201401.2); c.271A>C, p.Met91Leu (NM_001201402.2); c.349A>C (NM_000153.3); short protein forms M117L, M91L, M94L.
Identifiers: ClinVar variation 1066196 (VCV001066196.12), dbSNP rs145580093, ClinGen allele CA390752765.